The following is an entry in ClinVar:

ClinVar aggregate classification (germline): Likely benign (1 of 4 stars; one submission).

Allele frequency attached by ClinVar (database versions not stated): 1000 Genomes Project 30x 0.00062; ESP Exome Variant Server 0.00069; 1000 Genomes Project 0.00080; gnomAD 0.00080; TOPMed 0.00090; ExAC 0.00134.
gnomAD v4.1: 1,429 of 1,613,944 alleles (0.089%); highest among the groups gnomAD compares: Middle Eastern, 0.099%; 3 homozygotes.

Submission:

CeGaT Center for Human Genetics Tuebingen
Classification: Likely benign. Last evaluated: 2022-10-01. Review status: criteria provided, single submitter. Criteria: CeGaT Center For Human Genetics Tuebingen Variant Classification Criteria Version 2. Collection method: clinical testing. Allele origin: germline. Affected: yes. Observed: 2 variant alleles.
Comment: NXPH4: BP4, BP7

NM_007224.4(NXPH4):c.843C>G (p.Val281=)

Gene: NXPH4 (neurexophilin 4; plus strand). Cytogenetic location: 12q13.3.
Variant type: single nucleotide variant.
Coding change: c.843C>G on transcript NM_007224.4 (MANE Select); coding-DNA position 843, C replaced by G.
Protein change: p.Val281=; no amino-acid change (valine 281 retained).
Molecular consequence: synonymous variant.
Genome position (GRCh38, 1-based): chr12:57,225,663, C>G. VCF-style: chr12-57225663-C-G. GRCh37 (hg19) VCF-style: chr12-57619446-C-G.
Identifiers: ClinVar variation 2643131 (VCV002643131.24), dbSNP rs139684967, ClinGen allele CA6646159.